The following is an entry in ClinVar:

ClinVar aggregate classification (germline): Benign (1 of 4 stars; one submission).

Allele frequency attached by ClinVar (database versions not stated): gnomAD 0.89162 and 0.89596; TOPMed 0.89360; 1000 Genomes Project 30x 0.91115; 1000 Genomes Project 0.91554.
gnomAD v4.1: 136,425 of 152,254 alleles (90%); highest among the groups gnomAD compares: East Asian, 100%; 61,505 homozygotes.

Submission:

GeneDx
Classification: Benign. Last evaluated: 2018-06-14. Review status: criteria provided, single submitter. Criteria: GeneDx Variant Classification (06012015). Collection method: clinical testing. Allele origin: germline. Affected: yes.
Comment: This variant is considered likely benign or benign based on one or more of the following criteria: it is a conservative change, it occurs at a poorly conserved position in the protein, it is predicted to be benign by multiple in silico algorithms, and/or has population frequency not consistent with disease.

NM_020166.5(MCCC1):c.492-222A>G

Gene: MCCC1 (methylcrotonyl-CoA carboxylase subunit 1; minus strand). Cytogenetic location: 3q27.1.
Variant type: single nucleotide variant.
Coding change: c.492-222A>G on transcript NM_020166.5 (MANE Select); 222 bases into the intron before coding-DNA position 492, A replaced by G.
Molecular consequence: intron variant.
Genome position (GRCh38, 1-based): chr3:183,071,579, T>C on the plus strand (A>G on the coding strand, the complement: MCCC1 is on the minus strand). VCF-style: chr3-183071579-T-C. GRCh37 (hg19) VCF-style: chr3-182789367-T-C.
Other names: c.165-222A>G (NM_001363880.1); c.141-222A>G (NM_001293273.2).
Identifiers: ClinVar variation 684197 (VCV000684197.1), dbSNP rs6785680, ClinGen allele CA16168703.